The following is an entry in ClinVar:

ClinVar aggregate classification (germline): Uncertain significance (1 of 4 stars; one submission).

Allele frequency attached by ClinVar (database versions not stated): gnomAD exomes below 0.00001; TOPMed below 0.00001.

Submission:

Labcorp Genetics (formerly Invitae), Labcorp
Classification: Uncertain significance. Last evaluated: 2019-02-04. Review status: criteria provided, single submitter. Criteria: Invitae Variant Classification Sherloc (09022015). Collection method: clinical testing. Allele origin: germline.
Comment: This sequence change creates a premature translational stop signal (p.Gln131*) in the KPNA7 gene. It is expected to result in an absent or disrupted protein product. This variant is not present in population databases (ExAC no frequency). This variant has not been reported in the literature in individuals with KPNA7-related conditions. The current clinical and genetic evidence is not sufficient to establish whether loss-of-function variants in KPNA7 cause disease. In summary, the available evidence is currently insufficient to determine the role of this variant in disease. Therefore, it has been classified as a Variant of Uncertain Significance.

NM_001145715.3(KPNA7):c.391C>T (p.Gln131Ter)

Gene: KPNA7 (karyopherin subunit alpha 7; minus strand). Cytogenetic location: 7q22.1.
Variant type: single nucleotide variant.
Coding change: c.391C>T on transcript NM_001145715.3 (MANE Select); coding-DNA position 391, C replaced by T.
Protein change: p.Gln131Ter; replaces glutamine 131 with a stop codon.
Molecular consequence: nonsense.
Genome position (GRCh38, 1-based): chr7:99,195,232, G>A on the plus strand (C>T on the coding strand, the complement: KPNA7 is on the minus strand). VCF-style: chr7-99195232-G-A. GRCh37 (hg19) VCF-style: chr7-98792855-G-A.
Other names: short protein forms Q131*.
Identifiers: ClinVar variation 969870 (VCV000969870.3), dbSNP rs1790165090, ClinGen allele CA368420654.